The following is an entry in ClinVar:

NC_000009.11:g.(6620320_6644613)_(6645730_?)del

Gene: GLDC (glycine decarboxylase; minus strand). Cytogenetic location: 9p24.1.
Variant type: Deletion.
Identifiers: ClinVar variation 3911926 (VCV003911926.2).

ClinVar aggregate classification (germline): Pathogenic (1 of 4 stars; one submission).

Conditions:
Glycine encephalopathy. Also called: Nonketotic hyperglycinemia; Non-ketotic hyperglycinemia. Identifiers: Orphanet 407, MedGen C0751748, MONDO:0011612, HP:0008288.

Submission:

Women's Health and Genetics/Laboratory Corporation of America, LabCorp
Classification: Pathogenic for Glycine encephalopathy. Last evaluated: 2025-07-07. Review status: criteria provided, single submitter. Criteria: LabCorp Variant Classification Summary - May 2015. Collection method: clinical testing. Allele origin: germline.
Comment: Variant summary: The variant involves the deletion of exons 1-2 in the GLDC gene. A presumed nomenclature of c.(?_-231)_(334+1_335-1)del has been designated for the purposes of this classification. The exact breakpoint at the 5' end of this variant is unknown, therefore this deletion may extend upstream of the annotated region of this gene. Although the exact breakpoints of this deletion are not known, it is predicted to remove the initiation codon and result in an absence of protein or a truncation of the encoded protein due to translation initiation at a downstream site. Several matching deletions are found in controls, e.g. a deletion (size: 43,368 bp) was found at a frequency of 0.00023 in 123586 control chromosomes in the gnomAD database (Structural Variants v4.1 dataset). This frequency is not higher than the estimated maximum expected for a pathogenic variant in GLDC causing Glycine Encephalopathy (Non-Ketotic Hyperglycinemia) (0.0031), allowing no conclusion about variant significance. Several variants, described as deletion of exons 1-2, have been reported in the literature in compound heterozygous and homozygous state in individuals affected with Glycine Encephalopathy (Non-Ketotic Hyperglycinemia) (e.g. Applegarth_2001, Kanno_2007, Coughlin_2017 [LOVD database], Thewamit_2023). These data indicate that the variant is very likely to be associated with disease. To our knowledge, no experimental evidence demonstrating an impact on protein function has been reported. The following publications have been ascertained in the context of this evaluation (PMID: 17361008, 11592811, 27362913, 37614902). ClinVar contains an entry for this variant (Variation ID: 2422527). Based on the evidence outlined above, the variant was classified as pathogenic.

Literature cited by the submitters: PubMed 27362913; PubMed 17361008; PubMed 11592811; PubMed 37614902.